The following is an entry in ClinVar:

ClinVar aggregate classification (germline): Uncertain significance. Review status: criteria provided, multiple submitters, no conflicts (2 of 4 stars). 2 submissions from 2 submitters: Uncertain significance (2). Last evaluated 2025-12-06.

Conditions:
Autosomal recessive limb-girdle muscular dystrophy type 2L (LGMDR12). Also called: Limb-Girdle Muscular Dystrophy R12 Anoctamin-5-Related (LGMD-R12); Limb-girdle muscular dystrophy, type 2L; MUSCULAR DYSTROPHY, LIMB-GIRDLE, AUTOSOMAL RECESSIVE 12. Identifiers: Orphanet 206549, MedGen C1969785, MONDO:0012652, OMIM 611307.
Gnathodiaphyseal dysplasia (GDD). Also called: GNATHODIAPHYSEAL SCLEROSIS; OSTEOGENESIS IMPERFECTA WITH UNUSUAL SKELETAL LESIONS. Identifiers: Orphanet 53697, MedGen C1833736, MONDO:0008151, OMIM 166260.

Allele frequency attached by ClinVar (database versions not stated): gnomAD exomes 0.00003; gnomAD 0.00005 and 0.00007; TOPMed 0.00005; ExAC 0.00006; ESP Exome Variant Server 0.00008; 1000 Genomes Project 30x 0.00031; 1000 Genomes Project 0.00040.
gnomAD v4.1: 15 of 1,612,986 alleles (0.00093%); highest among the groups gnomAD compares: African/African-American, 0.019%; no homozygotes.

Submissions (2):

Labcorp Genetics (formerly Invitae), Labcorp
Classification: Uncertain significance for Autosomal recessive limb-girdle muscular dystrophy type 2L; Gnathodiaphyseal dysplasia. Last evaluated: 2025-12-06. Review status: criteria provided, single submitter. Criteria: Invitae Variant Classification Sherloc (09022015). Collection method: clinical testing. Allele origin: germline.
Comment: This sequence change replaces methionine, which is neutral and non-polar, with leucine, which is neutral and non-polar, at codon 871 of the ANO5 protein (p.Met871Leu). This variant is present in population databases (rs189233047, gnomAD 0.04%). This missense change has been observed in individual(s) with clinical features of limb-girdle muscular dystrophy (PMID: 39678382). ClinVar contains an entry for this variant (Variation ID: 468845). Invitae Evidence Modeling of protein sequence and biophysical properties (such as structural, functional, and spatial information, amino acid conservation, physicochemical variation, residue mobility, and thermodynamic stability) indicates that this missense variant is not expected to disrupt ANO5 protein function with a negative predictive value of 95%. In summary, the available evidence is currently insufficient to determine the role of this variant in disease. Therefore, it has been classified as a Variant of Uncertain Significance.

Eurofins Ntd Llc (ga)
Classification: Uncertain significance. Last evaluated: 2016-12-28. Review status: criteria provided, single submitter. Criteria: EGL Classification Definitions 2015. Collection method: clinical testing. Allele origin: germline. Observed: 1 variant allele, 1 heterozygote.

Literature cited by the submitters: PubMed 39678382 (cited by Labcorp Genetics (formerly Invitae), Labcorp).

NM_213599.3(ANO5):c.2611A>C (p.Met871Leu)

Gene: ANO5 (anoctamin 5; plus strand). Cytogenetic location: 11p14.3.
Variant type: single nucleotide variant.
Coding change: c.2611A>C on transcript NM_213599.3 (MANE Select); coding-DNA position 2611, A replaced by C.
Protein change: p.Met871Leu; replaces methionine 871 with leucine.
Molecular consequence: missense variant.
Genome position (GRCh38, 1-based): chr11:22,279,634, A>C. VCF-style: chr11-22279634-A-C. GRCh37 (hg19) VCF-style: chr11-22301180-A-C.
Other names: c.2608A>C, p.Met870Leu (NM_001142649.2); short protein forms M871L, M870L.
Identifiers: ClinVar variation 468845 (VCV000468845.12), dbSNP rs189233047, ClinGen allele CA5923628.